The following is an entry in ClinVar:

ClinVar aggregate classification (germline): Pathogenic (1 of 4 stars; one submission).

Conditions:
Autosomal recessive limb-girdle muscular dystrophy type 2T. Also called: MUSCULAR DYSTROPHY-DYSTROGLYCANOPATHY, LIMB-GIRDLE, GMPPB-RELATED; MUSCULAR DYSTROPHY, LIMB-GIRDLE, TYPE 2T; Muscular dystrophy-dystroglycanopathy (limb-girdle), type c, 14; Limb-girdle muscular dystrophy-dystroglycanopathy, type C14. Identifiers: Orphanet 363623, MedGen C4518000, MONDO:0014142, OMIM 615352.
Muscular dystrophy-dystroglycanopathy (congenital with brain and eye anomalies), type A14. Also called: Muscular dystrophy-dystroglycanopathy (congenital with brain and eye anomalies), type a, 14; WALKER-WARBURG SYNDROME OR MUSCLE-EYE-BRAIN DISEASE, GMPPB-RELATED; Congenital Muscular Dystrophy-Dystroglycanopathy with Brain and Eye Anomalies Type A 14; Congenital muscular dystrophy-dystroglycanopathy with brain and eye anomalies, type A14. Identifiers: Orphanet 588, MedGen C3809216, MONDO:0014140, OMIM 615350.
Muscular dystrophy-dystroglycanopathy (congenital with impaired intellectual development), type B, 14. Also called: MUSCULAR DYSTROPHY, CONGENITAL, GMPPB-RELATED; Muscular dystrophy-dystroglycanopathy (congenital with intellectual disability), type B14; Congenital muscular dystrophy-dystroglycanopathy with mental retardation, type B14. Identifiers: MedGen C3809221, MONDO:0014141, OMIM 615351.

Submission:

Labcorp Genetics (formerly Invitae), Labcorp
Classification: Pathogenic for Autosomal recessive limb-girdle muscular dystrophy type 2T; Muscular dystrophy-dystroglycanopathy (congenital with brain and eye anomalies), type A14; Muscular dystrophy-dystroglycanopathy (congenital with impaired intellectual development), type B, 14. Last evaluated: 2022-01-06. Review status: criteria provided, single submitter. Criteria: Invitae Variant Classification Sherloc (09022015). Collection method: clinical testing. Allele origin: germline.
Comment: This sequence change creates a premature translational stop signal (p.Phe123Serfs*14) in the GMPPB gene. It is expected to result in an absent or disrupted protein product. Loss-of-function variants in GMPPB are known to be pathogenic (PMID: 23768512, 26310427). For these reasons, this variant has been classified as Pathogenic. ClinVar contains an entry for this variant (Variation ID: 474016). This variant has not been reported in the literature in individuals affected with GMPPB-related conditions. This variant is not present in population databases (gnomAD no frequency).

Literature cited by the submitters: PubMed 23768512; PubMed 26310427.

NM_021971.4(GMPPB):c.365_366dup (p.Phe123fs)

Gene: GMPPB (GDP-mannose pyrophosphorylase B; minus strand). Cytogenetic location: 3p21.31.
Variant type: Duplication.
Coding change: c.365_366dup on transcript NM_021971.4 (MANE Select); coding-DNA positions 365 to 366, 2 bases duplicated (AG; older notation c.365_366dupAG).
Protein change: p.Phe123fs; shifts the reading frame from phenylalanine 123.
Molecular consequence: frameshift variant.
Genome position (GRCh38, 1-based): chr3:49,723,008-49,723,009, CT duplicated on the plus strand (AG on the coding strand, the reverse complement: GMPPB is on the minus strand). VCF-style (leftmost placement, unchanged base first): chr3-49723007-A-ACT. GRCh37 (hg19) VCF-style: chr3-49760440-A-ACT.
Other names: c.365_366dupAG (NM_021971.2); c.365_366dup, p.Phe123fs (NM_013334.4); short protein forms F123fs.
Identifiers: ClinVar variation 474016 (VCV000474016.7), dbSNP rs1553691975, ClinGen allele CA658657303.